The following is an entry in ClinVar:

NM_000551.4(VHL):c.341-18C>T

Genes: VHL (von Hippel-Lindau tumor suppressor; plus strand), LOC107303340 (3p25 von Hippel-Lindau tumor suppressor, E3 ubiquitin protein ligase Alu-mediated recombination region; plus strand). Cytogenetic location: 3p25.3.
Variant type: single nucleotide variant.
Coding change: c.341-18C>T on transcript NM_000551.4 (MANE Select); 18 bases into the intron before coding-DNA position 341, C replaced by T.
Molecular consequence: intron variant.
Genome position (GRCh38, 1-based): chr3:10,146,496, C>T. VCF-style: chr3-10146496-C-T. GRCh37 (hg19) VCF-style: chr3-10188180-C-T.
Other names: c.*18-3291C>T (NM_001354723.2); c.341-3291C>T (NM_198156.3).
Identifiers: ClinVar variation 2953105 (VCV002953105.4), dbSNP rs2470164932, ClinGen allele CA2664403008.

ClinVar aggregate classification (germline): Likely benign. Review status: criteria provided, multiple submitters, no conflicts (2 of 4 stars). 2 submissions from 2 submitters: Likely benign (2). Last evaluated 2025-06-11.

Conditions:
Von Hippel-Lindau syndrome (VHLS). Also called: VHL syndrome; Von Hippel-Lindau; von Hippel–Lindau syndrome. Identifiers: Orphanet 892, MedGen C0019562, MONDO:0008667, OMIM 193300. Disease mechanism: loss of function.
Chuvash polycythemia. Also called: POLYCYTHEMIA, VHL-DEPENDENT. Identifiers: Orphanet 238557, MedGen C1837915, MONDO:0009892, OMIM 263400.

Allele frequency attached by ClinVar (database versions not stated): gnomAD exomes below 0.00001.
gnomAD v4.1: 2 of 1,613,062 alleles (0.00012%); highest among the groups gnomAD compares: Non-Finnish European, 0.00017%; no homozygotes.

Submissions (2):

Myriad Genetics, Inc.
Classification: Likely benign for Von Hippel-Lindau syndrome. Last evaluated: 2025-06-11. Review status: criteria provided, single submitter. Criteria: Myriad Autosomal Dominant, Autosomal Recessive and X-Linked Classification Criteria (2023). Collection method: clinical testing. Allele origin: unknown.
Comment: This variant is considered likely benign. This variant is intronic and is not expected to impact mRNA splicing.

Labcorp Genetics (formerly Invitae), Labcorp
Classification: Likely benign for Von Hippel-Lindau syndrome; Chuvash polycythemia. Last evaluated: 2023-11-21. Review status: criteria provided, single submitter. Criteria: Invitae Variant Classification Sherloc (09022015). Collection method: clinical testing. Allele origin: germline.